The following is an entry in ClinVar:

NM_032634.4(PIGO):c.36G>A (p.Trp12Ter)

Gene: PIGO (phosphatidylinositol glycan anchor biosynthesis class O; minus strand). Cytogenetic location: 9p13.3.
Variant type: single nucleotide variant.
Coding change: c.36G>A on transcript NM_032634.4 (MANE Select); coding-DNA position 36, G replaced by A.
Protein change: p.Trp12Ter; replaces tryptophan 12 with a stop codon.
Molecular consequence: nonsense.
Genome position (GRCh38, 1-based): chr9:35,095,530, C>T on the plus strand (G>A on the coding strand, the complement: PIGO is on the minus strand). VCF-style: chr9-35095530-C-T. GRCh37 (hg19) VCF-style: chr9-35095527-C-T.
Other names: c.36G>A, p.Trp12Ter (NM_001201484.2, NM_152850.4); short protein forms W12*.
Identifiers: ClinVar variation 1909826 (VCV001909826.5), dbSNP rs766384490, ClinGen allele CA5041018.

ClinVar aggregate classification (germline): Pathogenic (1 of 4 stars; one submission).

Conditions:
Hyperphosphatasia with impaired intellectual development syndrome 2. Also called: Hyperphosphatasia with intellectual disability syndrome 2; GLYCOSYLPHOSPHATIDYLINOSITOL BIOSYNTHESIS DEFECT 6. Identifiers: Orphanet 247262, MedGen C3553637, MONDO:0013882, OMIM 614749.

Allele frequency attached by ClinVar (database versions not stated): ExAC 0.00002; gnomAD exomes below 0.00001.
gnomAD v4.1: 2 of 1,599,266 alleles (0.00013%); highest among the groups gnomAD compares: Admixed American, 0.0034%; no homozygotes.

Submission:

Labcorp Genetics (formerly Invitae), Labcorp
Classification: Pathogenic for Hyperphosphatasia with impaired intellectual development syndrome 2. Last evaluated: 2025-01-21. Review status: criteria provided, single submitter. Criteria: Invitae Variant Classification Sherloc (09022015). Collection method: clinical testing. Allele origin: germline.
Comment: This sequence change creates a premature translational stop signal (p.Trp12*) in the PIGO gene. It is expected to result in an absent or disrupted protein product. Loss-of-function variants in PIGO are known to be pathogenic (PMID: 22683086, 24417746). This variant is present in population databases (rs766384490, gnomAD 0.009%). This variant has not been reported in the literature in individuals affected with PIGO-related conditions. ClinVar contains an entry for this variant (Variation ID: 1909826). For these reasons, this variant has been classified as Pathogenic.

Literature cited by the submitters: PubMed 22683086; PubMed 24417746.